The following is an entry in ClinVar:

NM_000254.3(MTR):c.3205-196A>G

Gene: MTR (5-methyltetrahydrofolate-homocysteine methyltransferase; plus strand). Cytogenetic location: 1q43.
Variant type: single nucleotide variant.
Coding change: c.3205-196A>G on transcript NM_000254.3 (MANE Select); 196 bases into the intron before coding-DNA position 3205, A replaced by G.
Molecular consequence: intron variant.
Genome position (GRCh38, 1-based): chr1:236,894,161, A>G. VCF-style: chr1-236894161-A-G. GRCh37 (hg19) VCF-style: chr1-237057461-A-G.
Other names: c.3052-196A>G (NM_001291939.1); c.1984-196A>G (NM_001291940.2).
Identifiers: ClinVar variation 1502240 (VCV001502240.5), dbSNP rs544410324, ClinGen allele CA39766459.
Genomic context (GRCh38, chr1:236,894,161, plus strand): 5'-ATTTATGTTACGTCATGTCATACATTTTTTAAAAATCTCATTTCATTTGTTTATCTTACA[A>G]ATATTTATTGGATACTCACTATGTGTCAGACACAATTCCAAGTACTGGGGATGTAACAGT-3'

ClinVar aggregate classification (germline): Uncertain significance. Review status: criteria provided, multiple submitters, no conflicts (2 of 4 stars). 2 submissions from 2 submitters: Uncertain significance (2). Last evaluated 2025-10-22.

Conditions:
Methylcobalamin deficiency type cblG (HMAG). Also called: HOMOCYSTINURIA-MEGALOBLASTIC ANEMIA, cblG COMPLEMENTATION TYPE; HOMOCYSTINURIA-MEGALOBLASTIC ANEMIA, cblG TYPE; HOMOCYSTINURIA-MEGALOBLASTIC ANEMIA DUE TO DEFECT IN COBALAMIN METABOLISM, cblG COMPLEMENTATION TYPE; Functional methionine synthase deficiency type cblG. Identifiers: Orphanet 2170, Orphanet 622, MedGen C1855128, MONDO:0009609, OMIM 250940.

Allele frequency attached by ClinVar (database versions not stated): gnomAD 0.00001; 1000 Genomes Project 30x 0.00016; 1000 Genomes Project 0.00020.
gnomAD v4.1: 2 of 152,314 alleles (0.0013%); highest among the groups gnomAD compares: South Asian, 0.021%; no homozygotes.

Submissions (2):

Women's Health and Genetics/Laboratory Corporation of America, LabCorp
Classification: Uncertain significance. Last evaluated: 2025-10-22. Review status: criteria provided, single submitter. Criteria: LabCorp Variant Classification Summary - May 2015. Collection method: clinical testing. Allele origin: germline.
Comment: Variant summary: MTR c.3205-196A>G is located at a position not widely known to affect splicing. Several computational tools predict a significant impact on normal splicing: Four predict the variant creates a cryptic 3' acceptor site. However, these predictions have yet to be confirmed by functional studies. The variant was absent in 31408 control chromosomes (gnomAD). The available data on variant occurrences in the general population are insufficient to allow any conclusion about variant significance. c.3205-196A>G has been observed in one individual affected with Methylcobalamin deficiency type cblG (Huemer_2015). These data do not allow any conclusion about variant significance. To our knowledge, no experimental evidence demonstrating an impact on protein function has been reported. The following publications have been ascertained in the context of this evaluation (PMID: 25526710, 34625984). ClinVar contains an entry for this variant (Variation ID: 1502240). Based on the evidence outlined above, the variant was classified as uncertain significance.

Labcorp Genetics (formerly Invitae), Labcorp
Classification: Uncertain significance for Methylcobalamin deficiency type cblG. Last evaluated: 2025-08-11. Review status: criteria provided, single submitter. Criteria: Invitae Variant Classification Sherloc (09022015). Collection method: clinical testing. Allele origin: germline.
Comment: This sequence change falls in intron 29 of the MTR gene. It does not directly change the encoded amino acid sequence of the MTR protein. This variant is not present in population databases (gnomAD no frequency). This variant has been observed in individual(s) with MTR-related conditions (PMID: 25526710). ClinVar contains an entry for this variant (Variation ID: 1502240). Algorithms developed to predict the effect of sequence changes on RNA splicing suggest that this variant may disrupt the consensus splice site. In summary, the available evidence is currently insufficient to determine the role of this variant in disease. Therefore, it has been classified as a Variant of Uncertain Significance.

Literature cited by the submitters: PubMed 25526710 (cited by Women's Health and Genetics/Laboratory Corporation of America, LabCorp and Labcorp Genetics (formerly Invitae), Labcorp); PubMed 34625984 (cited by Women's Health and Genetics/Laboratory Corporation of America, LabCorp).